The following is an entry in ClinVar:

NM_007194.4(CHEK2):c.1375+1G>A

Gene: CHEK2 (checkpoint kinase 2; minus strand). Cytogenetic location: 22q12.1.
Variant type: single nucleotide variant.
Coding change: c.1375+1G>A on transcript NM_007194.4 (MANE Select); the canonical splice donor site of the intron after coding-DNA position 1375, G replaced by A.
Molecular consequence: splice donor variant.
Genome position (GRCh38, 1-based): chr22:28,695,126, C>T on the plus strand (G>A on the coding strand, the complement: CHEK2 is on the minus strand). VCF-style: chr22-28695126-C-T. GRCh37 (hg19) VCF-style: chr22-29091114-C-T.
Other names: c.712+1G>A (NM_001437942.1, NM_001257387.3); c.1174+1G>A (NM_001349956.3); c.1288+1G>A (NM_145862.3); c.1381+1G>A (NM_001438295.1); c.1468+1G>A (NM_001438293.1); c.1417+1G>A (NM_001438294.1); c.1504+1G>A (NM_001005735.3).
Identifiers: ClinVar variation 651062 (VCV000651062.16), dbSNP rs759706360, ClinGen allele CA10167671.

ClinVar aggregate classification (germline): Likely pathogenic. Review status: criteria provided, multiple submitters, no conflicts (2 of 4 stars). 6 submissions from 6 submitters: Likely pathogenic (6). Last evaluated 2026-01-04.

Conditions:
Hereditary cancer-predisposing syndrome. Also called: Neoplastic Syndromes, Hereditary; Tumor predisposition; Hereditary Cancer Syndrome; Hereditary neoplastic syndrome. Identifiers: Orphanet 140162, MedGen C0027672, MeSH D009386, MONDO:0015356.
Familial cancer of breast. Also called: hereditary breast carcinoma; Hereditary breast cancer; BREAST CANCER, FAMILIAL. Identifiers: Orphanet 227535, MedGen C0346153, MONDO:0016419, OMIM 114480. Disease mechanism: loss of function.

Allele frequency attached by ClinVar (database versions not stated): gnomAD exomes below 0.00001; ExAC 0.00001.

Submissions (6):

Labcorp Genetics (formerly Invitae), Labcorp
Classification: Likely pathogenic for Familial cancer of breast. Last evaluated: 2026-01-04. Review status: criteria provided, single submitter. Criteria: Invitae Variant Classification Sherloc (09022015). Collection method: clinical testing. Allele origin: germline.
Comment: This sequence change affects a donor splice site in intron 12 of the CHEK2 gene. It is expected to disrupt RNA splicing. Variants that disrupt the donor or acceptor splice site typically lead to a loss of protein function (PMID: 16199547), and loss-of-function variants in CHEK2 are known to be pathogenic (PMID: 21876083, 24713400). The frequency data for this variant in the population databases is considered unreliable, as metrics indicate poor data quality at this position in the gnomAD database. Disruption of this splice site has been observed in individual(s) with clinical features of CHEK2-related conditions (PMID: 31721094, 36655350, 36804482). ClinVar contains an entry for this variant (Variation ID: 651062). Algorithms developed to predict the effect of sequence changes on RNA splicing suggest that this variant may disrupt the consensus splice site. In summary, the currently available evidence indicates that the variant is pathogenic, but additional data are needed to prove that conclusively. Therefore, this variant has been classified as Likely Pathogenic.

Molecular Pathology, Peter Maccallum Cancer Centre
Classification: Likely pathogenic for Familial cancer of breast. Last evaluated: 2024-11-11. Review status: criteria provided, single submitter. Criteria: ACMG Guidelines, 2015. Collection method: clinical testing. Allele origin: germline. Inheritance: Autosomal dominant inheritance.

Ambry Genetics
Classification: Likely pathogenic for Hereditary cancer-predisposing syndrome. Last evaluated: 2024-09-26. Review status: criteria provided, single submitter. Criteria: Ambry Variant Classification Scheme 2023. Collection method: clinical testing. Allele origin: germline.
Comment: The c.1375+1G>A intronic variant results from a G to A substitution one nucleotide after coding exon 11 of the CHEK2 gene. This nucleotide position is highly conserved in available vertebrate species. In silico splice site analysis predicts that this alteration will weaken the native splice donor site; however, direct evidence is insufficient at this time (Ambry internal data). Alterations that disrupt the canonical splice site are expected to cause aberrant splicing, resulting in an abnormal protein or a transcript that is subject to nonsense-mediated mRNA decay. As such, this alteration is classified as likely pathogenic.

Myriad Genetics, Inc.
Classification: Likely pathogenic for Familial cancer of breast. Last evaluated: 2023-06-28. Review status: criteria provided, single submitter. Criteria: Myriad Autosomal Dominant, Autosomal Recessive and X-Linked Classification Criteria (2023). Collection method: clinical testing. Allele origin: unknown.
Comment: This variant is considered likely pathogenic. This variant occurs within a consensus splice junction and is predicted to result in abnormal mRNA splicing of either an out-of-frame exon or an in-frame exon necessary for protein stability and/or normal function.

Baylor Genetics
Classification: Likely pathogenic for Familial cancer of breast. Last evaluated: 2023-04-17. Review status: criteria provided, single submitter. Criteria: ACMG Guidelines, 2015. Collection method: clinical testing. Allele origin: unknown.

Color Diagnostics, LLC DBA Color Health
Classification: Likely pathogenic for Hereditary cancer-predisposing syndrome. Last evaluated: 2020-03-16. Review status: criteria provided, single submitter. Criteria: ACMG Guidelines, 2015. Collection method: clinical testing. Allele origin: germline.
Comment: This variant causes a G to A nucleotide substitution at the +1 position of intron 12 of the CHEK2 gene. Splice site prediction tools predict that this variant may have a significant impact on RNA splicing. Although RNA studies have not been reported for this variant, this variant is expected to result in an absent or non-functional protein product. This variant has not been reported in individuals affected with hereditary cancer in the literature. This variant has been identified in 1/250900 chromosomes in the general population by the Genome Aggregation Database (gnomAD). Loss of CHEK2 function is a known mechanism of disease. Based on the available evidence, this variant is classified as Likely Pathogenic.

Literature cited by the submitters: PubMed 16199547 (cited by Labcorp Genetics (formerly Invitae), Labcorp); PubMed 21876083 (cited by Labcorp Genetics (formerly Invitae), Labcorp); PubMed 24713400 (cited by Labcorp Genetics (formerly Invitae), Labcorp); PubMed 31721094 (cited by Labcorp Genetics (formerly Invitae), Labcorp); PubMed 36655350 (cited by Labcorp Genetics (formerly Invitae), Labcorp); PubMed 36804482 (cited by Labcorp Genetics (formerly Invitae), Labcorp); PubMed 33804961 (cited by Ambry Genetics); PubMed 34887416 (cited by Ambry Genetics).